The following is an entry in ClinVar:

NM_001042432.2(CLN3):c.69C>T (p.Pro23=)

Gene: CLN3 (CLN3 lysosomal/endosomal transmembrane protein, battenin; minus strand). Cytogenetic location: 16p12.1.
Variant type: single nucleotide variant.
Coding change: c.69C>T on transcript NM_001042432.2 (MANE Select); coding-DNA position 69, C replaced by T.
Protein change: p.Pro23=; no amino-acid change (proline 23 retained).
Molecular consequence: synonymous variant. On other transcripts: intron variant (3).
Genome position (GRCh38, 1-based): chr16:28,491,538, G>A on the plus strand (C>T on the coding strand, the complement: CLN3 is on the minus strand). VCF-style: chr16-28491538-G-A. GRCh37 (hg19) VCF-style: chr16-28502859-G-A.
Other names: c.69C>T, p.Pro23= (NM_000086.2, NM_001286104.2); c.-38+176C>T (NM_001286109.2, NM_001286110.2); c.-96+176C>T (NM_001286105.2).
Identifiers: ClinVar variation 732433 (VCV000732433.13), dbSNP rs754235288, ClinGen allele CA7981083.

ClinVar aggregate classification (germline): Likely benign. Review status: criteria provided, multiple submitters, no conflicts (2 of 4 stars). 3 submissions from 3 submitters: Likely benign (3). Last evaluated 2025-06-23.

Conditions:
Neuronal ceroid lipofuscinosis. Also called: Neuronal Ceroid Lipofuscinoses. Identifiers: Orphanet 216, Orphanet 79263, MedGen C0027877, MONDO:0016295. Disease mechanism: loss of function.
CLN3-related disorder. Also called: CLN3-related condition. Identifiers: MedGen CN382248.

Allele frequency attached by ClinVar (database versions not stated): gnomAD exomes below 0.00001; ExAC 0.00001; gnomAD 0.00003 and 0.00004; TOPMed 0.00003.
gnomAD v4.1: 8 of 1,613,952 alleles (0.0005%); highest among the groups gnomAD compares: African/African-American, 0.0093%; no homozygotes.

Submissions (3):

Labcorp Genetics (formerly Invitae), Labcorp
Classification: Likely benign for Neuronal ceroid lipofuscinosis. Last evaluated: 2025-06-23. Review status: criteria provided, single submitter. Criteria: Invitae Variant Classification Sherloc (09022015). Collection method: clinical testing. Allele origin: germline.

PreventionGenetics, part of Exact Sciences
Classification: Likely benign for CLN3-related condition. Last evaluated: 2025-05-22. Review status: criteria provided, single submitter. Criteria: ACMG Guidelines, 2015. Collection method: clinical testing. Allele origin: germline.
Comment: This variant is classified as likely benign based on ACMG/AMP sequence variant interpretation guidelines (Richards et al. 2015 PMID: 25741868, with internal and published modifications).

GeneDx
Classification: Likely benign. Last evaluated: 2021-06-03. Review status: criteria provided, single submitter. Criteria: GeneDx Variant Classification Process June 2021. Collection method: clinical testing. Allele origin: germline. Affected: yes.